The following is an entry in ClinVar:

ClinVar aggregate classification (germline): Uncertain significance. Review status: criteria provided, multiple submitters, no conflicts (2 of 4 stars). 2 submissions from 2 submitters: Uncertain significance (2). Last evaluated 2025-03-17.

Conditions:
POLD1-related polyposis and colorectal cancer syndrome (CRCS10). Also called: Colorectal cancer, susceptibility to, 10; Colorectal cancer 10; COLORECTAL CANCER, SUSCEPTIBILITY TO, ON CHROMOSOME 19q. Identifiers: Orphanet 220460, MedGen C2675481, MONDO:0012953, OMIM 612591.
Hereditary cancer-predisposing syndrome. Also called: Hereditary neoplastic syndrome; Tumor predisposition; Hereditary Cancer Syndrome; Neoplastic Syndromes, Hereditary. Identifiers: Orphanet 140162, MedGen C0027672, MeSH D009386, MONDO:0015356.

Submissions (2):

Ambry Genetics
Classification: Uncertain significance for Hereditary cancer-predisposing syndrome. Last evaluated: 2025-03-17. Review status: criteria provided, single submitter. Criteria: Ambry Variant Classification Scheme 2023. Collection method: clinical testing. Allele origin: germline.
Comment: The c.359delG variant, located in coding exon 3 of the POLD1 gene, results from a deletion of one nucleotide at nucleotide position 359, causing a translational frameshift with a predicted alternate stop codon (p.G120Afs*49). This alteration is expected to result in protein truncation or nonsense-mediated mRNA decay. However, loss of function of POLD1 has not been established as a mechanism of disease. Based on the available evidence, the clinical significance of this alteration remains unclear.

Labcorp Genetics (formerly Invitae), Labcorp
Classification: Uncertain significance for POLD1-related polyposis and colorectal cancer syndrome. Last evaluated: 2018-11-19. Review status: criteria provided, single submitter. Criteria: Invitae Variant Classification Sherloc (09022015). Collection method: clinical testing. Allele origin: germline.
Comment: Missense variants that disrupt the 3'-5' exonuclease (proof-reading) activity of the POLE protein, while not abolishing its polymerase enzyme activity, are associated with an increased risk for colonic adenomatous polyps and colon cancer (PMID: 23263490, 23447401). Loss-of-function variants, which result in an absent or severely disrupted POLE protein, are therefore unlikely to be associated with disease. Without further clinical and genetic evidence, however, this variant has been classified as a Variant of Uncertain Significance. This variant has not been reported in the literature in individuals with POLD1-related disease. This variant is not present in population databases (ExAC no frequency). This sequence change creates a premature translational stop signal (p.Gly120Alafs*49) in the POLD1 gene. It is expected to result in an absent or disrupted protein product.

Literature cited by the submitters: PubMed 23263490 (cited by Labcorp Genetics (formerly Invitae), Labcorp); PubMed 23447401 (cited by Labcorp Genetics (formerly Invitae), Labcorp).

NM_002691.4(POLD1):c.359del (p.Gly120fs)

Gene: POLD1 (DNA polymerase delta 1, catalytic subunit; plus strand). Cytogenetic location: 19q13.33.
Variant type: Deletion.
Coding change: c.359del on transcript NM_002691.4 (MANE Select); coding-DNA position 359, one base deleted (G; older notation c.359delG).
Protein change: p.Gly120fs; shifts the reading frame from glycine 120.
Molecular consequence: frameshift variant. On other transcripts: non-coding transcript variant (1).
Genome position (GRCh38, 1-based): chr19:50,401,820, G deleted; the last of 2 consecutive G bases (chr19:50,401,819-50,401,820); deleting either gives the same sequence. VCF-style (leftmost placement, unchanged base first): chr19-50401818-CG-C. GRCh37 (hg19) VCF-style: chr19-50905075-CG-C.
Other names: c.359del, p.Gly120fs (NM_001256849.1, NM_001308632.1); c.359delG (NM_002691.2); short protein forms G120fs.
Identifiers: ClinVar variation 660364 (VCV000660364.9), dbSNP rs1601198397, ClinGen allele CA915951916.